The following is an entry in ClinVar:

NM_144991.3(TSPEAR):c.520G>C (p.Asp174His)

Gene: TSPEAR (thrombospondin type laminin G domain and EAR repeats; minus strand). Cytogenetic location: 21q22.3.
Variant type: single nucleotide variant.
Coding change: c.520G>C on transcript NM_144991.3 (MANE Select); coding-DNA position 520, G replaced by C.
Protein change: p.Asp174His; replaces aspartic acid 174 with histidine.
Molecular consequence: missense variant.
Genome position (GRCh38, 1-based): chr21:44,533,707, C>G on the plus strand (G>C on the coding strand, the complement: TSPEAR is on the minus strand). VCF-style: chr21-44533707-C-G. GRCh37 (hg19) VCF-style: chr21-45953590-C-G.
Other names: c.316G>C, p.Asp106His (NM_001272037.2); short protein forms D106H, D174H.
Identifiers: ClinVar variation 4192623 (VCV004192623.2).
Genomic context (GRCh38, chr21:44,533,707, plus strand): 5'-GAGGACTGCAGGTGCACCCTCCCCGGGTGGGTACCTACATGTCCACCGGGAGGCCGCAGT[C>G]CGTGGTGAGGGAGAAGACGCCTGCGGACACAGCCAGGACCAGTGTGTGCCAGCGGCCATC-3'
Protein context (NP_659428.2, residues 164-184): VSAGVFSLTT[Asp174His]CGLPVDIMAD

ClinVar aggregate classification (germline): Uncertain significance. Review status: criteria provided, multiple submitters, no conflicts (2 of 4 stars). 2 submissions from 2 submitters: Uncertain significance (2). Last evaluated 2026-01-18.

Conditions:
Inborn genetic diseases. Identifiers: MedGen C0950123, MeSH D030342.

gnomAD v4.1: 1 of 1,610,346 alleles (0.000062%); highest among the groups gnomAD compares: Admixed American, 0.0017%; no homozygotes.

Submissions (2):

Labcorp Genetics (formerly Invitae), Labcorp
Classification: Uncertain significance. Last evaluated: 2026-01-18. Review status: criteria provided, single submitter. Criteria: Invitae Variant Classification Sherloc (09022015). Collection method: clinical testing. Allele origin: germline.
Comment: This sequence change replaces aspartic acid, which is acidic and polar, with histidine, which is basic and polar, at codon 174 of the TSPEAR protein (p.Asp174His). This variant is present in population databases (rs782232996, gnomAD 0.003%). This variant has not been reported in the literature in individuals affected with TSPEAR-related conditions. ClinVar contains an entry for this variant (Variation ID: 4192623). Invitae Evidence Modeling of protein sequence and biophysical properties (such as structural, functional, and spatial information, amino acid conservation, physicochemical variation, residue mobility, and thermodynamic stability) has been performed for this missense variant. However, the output from this modeling did not meet the statistical confidence thresholds required to predict the impact of this variant on TSPEAR protein function. In summary, the available evidence is currently insufficient to determine the role of this variant in disease. Therefore, it has been classified as a Variant of Uncertain Significance.

Ambry Genetics
Classification: Uncertain significance for Inborn genetic diseases. Last evaluated: 2025-08-12. Review status: criteria provided, single submitter. Criteria: Ambry Variant Classification Scheme 2023. Collection method: clinical testing. Allele origin: germline.